The following is an entry in ClinVar:

ClinVar aggregate classification (germline): Pathogenic/Likely pathogenic. Review status: criteria provided, multiple submitters, no conflicts (2 of 4 stars). 2 submissions from 2 submitters: Pathogenic (1); Likely pathogenic (1). Last evaluated 2020-01-15.

Conditions:
Hereditary cancer-predisposing syndrome. Also called: Hereditary Cancer Syndrome; Tumor predisposition; Hereditary neoplastic syndrome; Neoplastic Syndromes, Hereditary. Identifiers: Orphanet 140162, MedGen C0027672, MeSH D009386, MONDO:0015356.

Submissions (2):

Color Diagnostics, LLC DBA Color Health
Classification: Pathogenic for Hereditary cancer-predisposing syndrome. Last evaluated: 2020-01-15. Review status: criteria provided, single submitter. Criteria: ACMG Guidelines, 2015. Collection method: clinical testing. Allele origin: germline.
Comment: This variant deletes 2 nucleotides in exon 34 of the ATM gene, creating a frameshift and premature translation stop signal. This variant is expected to result in an absent or non-functional protein product. This variant has not been identified in the general population by the Genome Aggregation Database (gnomAD). Loss of ATM function is a known mechanism of disease. Based on the available evidence, this variant is classified as Pathogenic.

CeGaT Center for Human Genetics Tuebingen
Classification: Likely pathogenic. Last evaluated: 2019-12-01. Review status: criteria provided, single submitter. Criteria: CeGaT Center For Human Genetics Tuebingen Variant Classification Criteria Version 2. Collection method: clinical testing. Allele origin: germline. Affected: yes. Observed: 1 variant allele.

NM_000051.4(ATM):c.5163_5164del (p.Leu1722fs)

Gene: ATM (ATM serine/threonine kinase; plus strand). Cytogenetic location: 11q22.3.
Variant type: Microsatellite.
Coding change: c.5163_5164del on transcript NM_000051.4 (MANE Select); coding-DNA positions 5163 to 5164, 2 bases deleted (AC; older notation c.5163_5164delAC).
Protein change: p.Leu1722fs; shifts the reading frame from leucine 1722.
Molecular consequence: frameshift variant.
Genome position (GRCh38, 1-based): chr11:108,299,871-108,299,872, AC deleted; deleting any 2 consecutive bases within chr11:108,299,867-108,299,872 gives the same sequence; the c. name uses the placement nearest the transcript's 3' end. VCF-style (leftmost placement, unchanged base first): chr11-108299866-AAC-A. GRCh37 (hg19) VCF-style: chr11-108170593-AAC-A.
Other names: c.5163_5164del, p.Leu1722fs (NM_001351834.2); short protein forms L1722fs.
Identifiers: ClinVar variation 872516 (VCV000872516.44), dbSNP rs2083336878, ClinGen allele CA913188433.